The following is an entry in ClinVar:

ClinVar aggregate classification (germline): Uncertain significance (1 of 4 stars; one submission).

Submission:

Labcorp Genetics (formerly Invitae), Labcorp
Classification: Uncertain significance. Last evaluated: 2020-07-08. Review status: criteria provided, single submitter. Criteria: Invitae Variant Classification Sherloc (09022015). Collection method: clinical testing. Allele origin: germline.
Comment: In summary, the available evidence is currently insufficient to determine the role of this variant in disease. Therefore, it has been classified as a Variant of Uncertain Significance. The current clinical and genetic evidence is not sufficient to establish whether loss-of-function variants in DTHD1 cause disease. This variant has not been reported in the literature in individuals with DTHD1-related conditions. This variant is not present in population databases (ExAC no frequency). This sequence change creates a premature translational stop signal (p.Glu439*) in the DTHD1 gene. It is expected to result in an absent or disrupted protein product.

NM_001170700.3(DTHD1):c.2185G>T (p.Glu729Ter)

Gene: DTHD1 (death domain containing 1; plus strand). Cytogenetic location: 4p14.
Variant type: single nucleotide variant.
Coding change: c.2185G>T on transcript NM_001170700.3 (MANE Select); coding-DNA position 2185, G replaced by T.
Protein change: p.Glu729Ter; replaces glutamic acid 729 with a stop codon.
Molecular consequence: nonsense. On other transcripts: non-coding transcript variant (2).
Genome position (GRCh38, 1-based): chr4:36,316,331, G>T. VCF-style: chr4-36316331-G-T. GRCh37 (hg19) VCF-style: chr4-36317953-G-T.
Other names: c.1315G>T, p.Glu439Ter (NM_001136536.5); c.1252G>T, p.Glu418Ter (NM_001378435.1); short protein forms E418*, E439*, E729*.
Identifiers: ClinVar variation 1051264 (VCV001051264.7), dbSNP rs1040447767, ClinGen allele CA356681501.
Genomic context (GRCh38, chr4:36,316,331, plus strand): 5'-ACACTTATTTTTCACTTGCAAAGAAAACCTAGGCTGGAACTCCAAATCAAAGAAGTGGAC[G>T]AATTTGGAAACTATAGTTGCCCTCATTACAAAGGCACCATTGTCGTTTATAAAGTACCTA-3'